The following is an entry in ClinVar:

NM_024675.4(PALB2):c.877G>A (p.Gly293Ser)

Gene: PALB2 (partner and localizer of BRCA2; minus strand). Cytogenetic location: 16p12.2.
Variant type: single nucleotide variant.
Coding change: c.877G>A on transcript NM_024675.4 (MANE Select); coding-DNA position 877, G replaced by A.
Protein change: p.Gly293Ser; replaces glycine 293 with serine.
Molecular consequence: missense variant.
Genome position (GRCh38, 1-based): chr16:23,635,669, C>T on the plus strand (G>A on the coding strand, the complement: PALB2 is on the minus strand). VCF-style: chr16-23635669-C-T. GRCh37 (hg19) VCF-style: chr16-23646990-C-T.
Other names: short protein forms G293S.
Identifiers: ClinVar variation 822728 (VCV000822728.4), dbSNP rs1392587904, ClinGen allele CA395135757.

ClinVar aggregate classification (germline): Uncertain significance (1 of 4 stars; one submission).

Conditions:
Hereditary cancer-predisposing syndrome. Also called: Tumor predisposition; Hereditary Cancer Syndrome; Neoplastic Syndromes, Hereditary; Hereditary neoplastic syndrome. Identifiers: Orphanet 140162, MedGen C0027672, MeSH D009386, MONDO:0015356.

Submission:

Ambry Genetics
Classification: Uncertain significance for Hereditary cancer-predisposing syndrome. Last evaluated: 2019-02-13. Review status: criteria provided, single submitter. Criteria: Ambry Variant Classification Scheme 2023. Collection method: clinical testing. Allele origin: germline.
Comment: The p.G293S variant (also known as c.877G>A), located in coding exon 4 of the PALB2 gene, results from a G to A substitution at nucleotide position 877. The glycine at codon 293 is replaced by serine, an amino acid with similar properties. This amino acid position is poorly conserved in available vertebrate species. In addition, this alteration is predicted to be tolerated by in silico analysis. Since supporting evidence is limited at this time, the clinical significance of this alteration remains unclear.